The following is an entry in ClinVar:

NM_019032.6(ADAMTSL4):c.1855C>T (p.Gln619Ter)

Genes: ADAMTSL4 (ADAMTS like 4; plus strand), ADAMTSL4-AS2 (ADAMTSL4 antisense RNA 2; minus strand). Cytogenetic location: 1q21.2.
Variant type: single nucleotide variant.
Coding change: c.1855C>T on transcript NM_019032.6 (MANE Select); coding-DNA position 1855, C replaced by T.
Protein change: p.Gln619Ter; replaces glutamine 619 with a stop codon.
Molecular consequence: nonsense. On other transcripts: intron variant (1).
Genome position (GRCh38, 1-based): chr1:150,557,044, C>T. VCF-style: chr1-150557044-C-T. GRCh37 (hg19) VCF-style: chr1-150529520-C-T.
Other names: c.1924C>T, p.Gln642Ter (NM_001288608.2); c.1855C>T, p.Gln619Ter (NM_001378596.1, NM_025008.5); c.1856+68C>T (NM_001288607.2); short protein forms Q619*, Q642*.
Identifiers: ClinVar variation 1417781 (VCV001417781.6), dbSNP rs2101633023, ClinGen allele CA342313454.

ClinVar aggregate classification (germline): Pathogenic (1 of 4 stars; one submission).

Submission:

Labcorp Genetics (formerly Invitae), Labcorp
Classification: Pathogenic. Last evaluated: 2021-08-14. Review status: criteria provided, single submitter. Criteria: Invitae Variant Classification Sherloc (09022015). Collection method: clinical testing. Allele origin: germline.
Comment: For these reasons, this variant has been classified as Pathogenic. This variant has not been reported in the literature in individuals affected with ADAMTSL4-related conditions. This variant is not present in population databases (ExAC no frequency). This sequence change creates a premature translational stop signal (p.Gln619*) in the ADAMTSL4 gene. It is expected to result in an absent or disrupted protein product. Loss-of-function variants in ADAMTSL4 are known to be pathogenic (PMID: 20564469, 28642162).

Literature cited by the submitters: PubMed 20564469; PubMed 28642162.